The following is an entry in ClinVar:

NM_005883.3(APC2):c.185G>A (p.Arg62Gln)

Gene: APC2 (APC regulator of Wnt signaling pathway 2; plus strand). Cytogenetic location: 19p13.3.
Variant type: single nucleotide variant.
Coding change: c.185G>A on transcript NM_005883.3 (MANE Select); coding-DNA position 185, G replaced by A.
Protein change: p.Arg62Gln; replaces arginine 62 with glutamine.
Molecular consequence: missense variant.
Genome position (GRCh38, 1-based): chr19:1,453,290, G>A. VCF-style: chr19-1453290-G-A. GRCh37 (hg19) VCF-style: chr19-1453289-G-A.
Other names: c.185G>A, p.Arg62Gln (NM_001351273.1); short protein forms R62Q.
Identifiers: ClinVar variation 2131951 (VCV002131951.4), dbSNP rs922443639, ClinGen allele CA304059688.

ClinVar aggregate classification (germline): Uncertain significance (1 of 4 stars; one submission).

Submission:

Labcorp Genetics (formerly Invitae), Labcorp
Classification: Uncertain significance. Last evaluated: 2022-11-01. Review status: criteria provided, single submitter. Criteria: Invitae Variant Classification Sherloc (09022015). Collection method: clinical testing. Allele origin: germline.
Comment: In summary, the available evidence is currently insufficient to determine the role of this variant in disease. Therefore, it has been classified as a Variant of Uncertain Significance. Algorithms developed to predict the effect of missense changes on protein structure and function (SIFT, PolyPhen-2, Align-GVGD) all suggest that this variant is likely to be tolerated. This variant has not been reported in the literature in individuals affected with APC2-related conditions. The frequency data for this variant in the population databases is considered unreliable, as metrics indicate poor data quality at this position in the gnomAD database. This sequence change replaces arginine, which is basic and polar, with glutamine, which is neutral and polar, at codon 62 of the APC2 protein (p.Arg62Gln).